The following is an entry in ClinVar:

ClinVar aggregate classification (germline): Uncertain significance (1 of 4 stars; one submission).

Conditions:
Osteogenesis imperfecta type I (OI1). Also called: Lobstein disease; OI, TYPE I; OSTEOGENESIS IMPERFECTA TARDA; OSTEOGENESIS IMPERFECTA WITH BLUE SCLERAE; Osteogenesis imperfecta type 1; Lobstein's Disease. Identifiers: Orphanet 216796, Orphanet 666, MedGen C0023931, MONDO:0008146, OMIM 166200. Disease mechanism: loss of function.
Ehlers-Danlos syndrome, classic type, 1 (EDSCL1). Also called: EDS I; EHLERS-DANLOS SYNDROME, GRAVIS TYPE; EHLERS-DANLOS SYNDROME, SEVERE CLASSIC TYPE; Ehlers-Danlos syndrome, type 1; Ehlers-Danlos Syndrome, Classic Type, COL5A1-Related. Identifiers: MedGen C0268335, MONDO:0019567, OMIM 130000.

Allele frequency attached by ClinVar (database versions not stated): gnomAD exomes below 0.00001.
gnomAD v4.1: 2 of 1,613,982 alleles (0.00012%); highest among the groups gnomAD compares: Non-Finnish European, 0.00017%; no homozygotes.

Submission:

Labcorp Genetics (formerly Invitae), Labcorp
Classification: Uncertain significance for Osteogenesis imperfecta type I; Ehlers-Danlos syndrome, classic type, 1. Last evaluated: 2025-07-10. Review status: criteria provided, single submitter. Criteria: Invitae Variant Classification Sherloc (09022015). Collection method: clinical testing. Allele origin: germline.
Comment: This sequence change replaces alanine, which is neutral and non-polar, with valine, which is neutral and non-polar, at codon 131 of the COL1A2 protein (p.Ala131Val). This variant is not present in population databases (gnomAD no frequency). This variant has not been reported in the literature in individuals affected with COL1A2-related conditions. ClinVar contains an entry for this variant (Variation ID: 2933937). Invitae Evidence Modeling of protein sequence and biophysical properties (such as structural, functional, and spatial information, amino acid conservation, physicochemical variation, residue mobility, and thermodynamic stability) indicates that this missense variant is not expected to disrupt COL1A2 protein function with a negative predictive value of 95%. In summary, the available evidence is currently insufficient to determine the role of this variant in disease. Therefore, it has been classified as a Variant of Uncertain Significance.

NM_000089.4(COL1A2):c.392C>T (p.Ala131Val)

Gene: COL1A2 (collagen type I alpha 2 chain; plus strand). Cytogenetic location: 7q21.3.
Variant type: single nucleotide variant.
Coding change: c.392C>T on transcript NM_000089.4 (MANE Select); coding-DNA position 392, C replaced by T.
Protein change: p.Ala131Val; replaces alanine 131 with valine.
Molecular consequence: missense variant.
Genome position (GRCh38, 1-based): chr7:94,404,852, C>T. VCF-style: chr7-94404852-C-T. GRCh37 (hg19) VCF-style: chr7-94034164-C-T.
Other names: short protein forms A131V.
Identifiers: ClinVar variation 2933937 (VCV002933937.3), dbSNP rs2484700092, ClinGen allele CA368219672.
Genomic context (GRCh38, chr7:94,404,852, plus strand): 5'-TTTATGAATATAACCTTAGTGAAATGATGGGTCTCCCATTTTCTTAGGGTCCTGCAGGTG[C>T]TCGTGGTCCAGCTGGCCCTCCTGGCAAGGCTGGTGAAGATGTAAGTATTTACTCTTAAGC-3'
Protein context (NP_000080.2, residues 121-141): GEPGQTGPAG[Ala131Val]RGPAGPPGKA